The following is an entry in ClinVar:

NM_000548.5(TSC2):c.3455G>T (p.Ser1152Ile)

Gene: TSC2 (TSC complex subunit 2; plus strand). Cytogenetic location: 16p13.3.
Variant type: single nucleotide variant.
Coding change: c.3455G>T on transcript NM_000548.5 (MANE Select); coding-DNA position 3455, G replaced by T.
Protein change: p.Ser1152Ile; replaces serine 1152 with isoleucine.
Molecular consequence: missense variant.
Genome position (GRCh38, 1-based): chr16:2,080,222, G>T. VCF-style: chr16-2080222-G-T. GRCh37 (hg19) VCF-style: chr16-2130223-G-T.
Other names: c.3323G>T, p.Ser1108Ile (NM_001077183.3, NM_001370404.1, NM_001406665.1); c.3455G>T, p.Ser1152Ile (NM_001114382.3); c.3215G>T, p.Ser1072Ile (NM_001318827.2); c.3179G>T, p.Ser1060Ile (NM_001318829.2); c.2723G>T, p.Ser908Ile (NM_001318831.2, NM_001406687.1, NM_001406688.1); c.3356G>T, p.Ser1119Ile (NM_001318832.2); c.3326G>T, p.Ser1109Ile (NM_001363528.2, NM_001370405.1, NM_021055.3); c.3452G>T, p.Ser1151Ile (NM_001406663.1, NM_001406664.1); and 18 more; short protein forms S1071I, S1089I, S1102I, S1104I, S1138I, S1139I, S660I, S909I.
Identifiers: ClinVar variation 1975290 (VCV001975290.5), dbSNP rs2089960768, ClinGen allele CA394288801.

ClinVar aggregate classification (germline): Uncertain significance (1 of 4 stars; one submission).

Conditions:
Tuberous sclerosis 2 (TSC2). Identifiers: Orphanet 805, MedGen C1860707, MONDO:0013199, OMIM 613254.

Submission:

Labcorp Genetics (formerly Invitae), Labcorp
Classification: Uncertain significance for Tuberous sclerosis 2. Last evaluated: 2022-05-20. Review status: criteria provided, single submitter. Criteria: Invitae Variant Classification Sherloc (09022015). Collection method: clinical testing. Allele origin: germline.
Comment: This variant has not been reported in the literature in individuals affected with TSC2-related conditions. In summary, the available evidence is currently insufficient to determine the role of this variant in disease. Therefore, it has been classified as a Variant of Uncertain Significance. Algorithms developed to predict the effect of sequence changes on RNA splicing suggest that this variant may create or strengthen a splice site. Advanced modeling of protein sequence and biophysical properties (such as structural, functional, and spatial information, amino acid conservation, physicochemical variation, residue mobility, and thermodynamic stability) performed at Invitae indicates that this missense variant is not expected to disrupt TSC2 protein function. This variant is not present in population databases (gnomAD no frequency). This sequence change replaces serine, which is neutral and polar, with isoleucine, which is neutral and non-polar, at codon 1152 of the TSC2 protein (p.Ser1152Ile).